The following is an entry in ClinVar:

ClinVar aggregate classification (germline): Uncertain significance (1 of 4 stars; one submission).

Conditions:
Cardiomyopathy (CMYO). Also called: Cardiomyopathies. Identifiers: Orphanet 167848, MedGen C0878544, MONDO:0004994, HP:0001638. Inheritance: Various modes of inheritance.

gnomAD v4.1: 1 of 1,614,114 alleles (0.000062%); highest among the groups gnomAD compares: Non-Finnish European, 0.000085%; no homozygotes.

Submission:

Color Diagnostics, LLC DBA Color Health
Classification: Uncertain significance for Cardiomyopathy. Last evaluated: 2025-06-17. Review status: criteria provided, single submitter. Criteria: ACMG Guidelines, 2015. Collection method: clinical testing. Allele origin: germline.
Comment: This missense variant replaces phenylalanine with tyrosine at codon 248 of the TNNT2 protein. Computational prediction suggests that this variant may not impact protein structure and function. To our knowledge, functional studies have not been reported for this variant. This variant has not been reported in individuals affected with TNNT2-related disorders in the literature. This variant has not been identified in the general population by the Genome Aggregation Database (gnomAD). The available evidence is insufficient to determine the role of this variant in disease conclusively. Therefore, this variant is classified as a Variant of Uncertain Significance.

NM_001276345.2(TNNT2):c.773T>A (p.Phe258Tyr)

Gene: TNNT2 (troponin T2, cardiac type; minus strand). Cytogenetic location: 1q32.1.
Variant type: single nucleotide variant.
Coding change: c.773T>A on transcript NM_001276345.2 (MANE Select); coding-DNA position 773, T replaced by A.
Protein change: p.Phe258Tyr; replaces phenylalanine 258 with tyrosine.
Molecular consequence: missense variant.
Genome position (GRCh38, 1-based): chr1:201,361,316, A>T on the plus strand (T>A on the coding strand, the complement: TNNT2 is on the minus strand). VCF-style: chr1-201361316-A-T. GRCh37 (hg19) VCF-style: chr1-201330444-A-T.
Other names: c.764T>A, p.Phe255Tyr (NM_000364.4, NM_001406723.1); c.743T>A, p.Phe248Tyr (NM_001001430.3, NM_001276347.2, NM_001406724.1); c.734T>A, p.Phe245Tyr (NM_001001431.3, NM_001406726.1, NM_001406727.1); c.725T>A, p.Phe242Tyr (NM_001001432.3); c.644T>A, p.Phe215Tyr (NM_001276346.2); c.740T>A, p.Phe247Tyr (NM_001406725.1); c.728T>A, p.Phe243Tyr (NM_001406728.1); short protein forms F215Y, F242Y, F243Y, F245Y, F247Y, F248Y, F255Y, F258Y.
Identifiers: ClinVar variation 4757174 (VCV004757174.1).